The following is an entry in ClinVar:

ClinVar aggregate classification (germline): Likely benign. Review status: criteria provided, multiple submitters, no conflicts (2 of 4 stars). 2 submissions from 2 submitters: Likely benign (2). Last evaluated 2026-01-01.

gnomAD v4.1: 109 of 1,613,996 alleles (0.0068%); highest among the groups gnomAD compares: Non-Finnish European, 0.0088%; no homozygotes.

Submissions (2):

CeGaT Center for Human Genetics Tuebingen
Classification: Likely benign. Last evaluated: 2026-01-01. Review status: criteria provided, single submitter. Criteria: CeGaT Center For Human Genetics Tuebingen Variant Classification Criteria Version 2. Collection method: clinical testing. Allele origin: germline. Affected: yes. Observed: 2 variant alleles.
Comment: PUM1: BP4

Blueprint Genetics
Classification: Likely benign. Last evaluated: 2024-11-19. Review status: criteria provided, single submitter. Criteria: ACMG Guidelines, 2015. Collection method: clinical testing. Allele origin: germline.

NM_001020658.2(PUM1):c.210A>G (p.Gly70=)

Gene: PUM1 (pumilio RNA binding family member 1; minus strand). Cytogenetic location: 1p35.2.
Variant type: single nucleotide variant.
Coding change: c.210A>G on transcript NM_001020658.2 (MANE Select); coding-DNA position 210, A replaced by G.
Protein change: p.Gly70=; no amino-acid change (glycine 70 retained).
Molecular consequence: synonymous variant.
Genome position (GRCh38, 1-based): chr1:31,059,357, T>C on the plus strand (A>G on the coding strand, the complement: PUM1 is on the minus strand). VCF-style: chr1-31059357-T-C. GRCh37 (hg19) VCF-style: chr1-31532204-T-C.
Other names: c.210A>G, p.Gly70= (NM_014676.3).
Identifiers: ClinVar variation 4533501 (VCV004533501.7).